The following is an entry in ClinVar:

ClinVar aggregate classification (germline): Benign/Likely benign. Review status: criteria provided, multiple submitters, no conflicts (2 of 4 stars). 16 submissions from 16 submitters: Benign (9); Likely benign (4). 3 of the submissions do not count toward it. Last evaluated 2026-09-01.

Conditions:
Hypertrophic cardiomyopathy 26. Also called: Cardiomyopathy, familial hypertrophic, 26. Identifiers: Orphanet 75249, MedGen C4310749, MONDO:0014883, OMIM 617047.
Distal myopathy with posterior leg and anterior hand involvement. Also called: WILLIAMS DISTAL MYOPATHY. Identifiers: Orphanet 63273, MedGen C3279722, MONDO:0013550, OMIM 614065.
Myofibrillar myopathy 5. Also called: Filaminopathy (type); FILAMINOPATHY, AUTOSOMAL DOMINANT. Identifiers: Orphanet 171445, MedGen C1836050, MONDO:0012289, OMIM 609524.
Cardiovascular phenotype. Identifiers: MedGen CN230736.
Cardiomyopathy (CMYO). Also called: Cardiomyopathies. Identifiers: Orphanet 167848, MedGen C0878544, MONDO:0004994, HP:0001638. Inheritance: Various modes of inheritance.

Allele frequency attached by ClinVar (database versions not stated): 1000 Genomes Project 30x 0.00187; 1000 Genomes Project 0.00200; gnomAD 0.00283 and 0.00297; TOPMed 0.00286; gnomAD exomes 0.00347 and 0.00463; ExAC 0.00370; ESP Exome Variant Server 0.00401.
gnomAD v4.1: 7,255 of 1,614,124 alleles (0.45%); highest among the groups gnomAD compares: Non-Finnish European, 0.52%; 22 homozygotes.

Submissions (16):

CeGaT Center for Human Genetics Tuebingen
Classification: Benign. Last evaluated: 2026-09-01. Review status: criteria provided, single submitter. Criteria: CeGaT Center For Human Genetics Tuebingen Variant Classification Criteria Version 2. Collection method: clinical testing. Allele origin: germline. Affected: yes. Observed: 41 variant alleles.
Comment: FLNC: BS1, BS2

Labcorp Genetics (formerly Invitae), Labcorp
Classification: Benign for Distal myopathy with posterior leg and anterior hand involvement; Myofibrillar myopathy 5; Hypertrophic cardiomyopathy 26. Last evaluated: 2026-02-04. Review status: criteria provided, single submitter. Criteria: Invitae Variant Classification Sherloc (09022015). Collection method: clinical testing. Allele origin: germline.

ARUP Laboratories, Molecular Genetics and Genomics, ARUP Laboratories
Classification: Likely benign. Last evaluated: 2025-07-08. Review status: criteria provided, single submitter. Criteria: ARUP Molecular Germline Variant Investigation Process 2024. Collection method: clinical testing. Allele origin: germline.

Molecular Diagnostic Laboratory for Inherited Cardiovascular Disease, Montreal Heart Institute
Classification: Likely benign. Last evaluated: 2025-04-09. Review status: criteria provided, single submitter. Criteria: ACMG Guidelines, 2015. Collection method: clinical testing. Allele origin: germline. Affected: no.

Blueprint Genetics
Classification: Likely benign. Last evaluated: 2024-11-27. Review status: criteria provided, single submitter. Criteria: ACMG Guidelines, 2015. Collection method: clinical testing. Allele origin: germline.

Women's Health and Genetics/Laboratory Corporation of America, LabCorp
Classification: Likely benign. Last evaluated: 2023-08-19. Review status: criteria provided, single submitter. Criteria: LabCorp Variant Classification Summary - May 2015. Collection method: clinical testing. Allele origin: germline.

Mayo Clinic Laboratories, Mayo Clinic
Classification: Benign. Last evaluated: 2023-02-06. Review status: criteria provided, single submitter. Criteria: ACMG Guidelines, 2015. Collection method: clinical testing. Allele origin: germline. Observed: 11 variant alleles.
Comment: BS1, BS2, BP5, PP3

CHEO Genetics Diagnostic Laboratory, Children's Hospital of Eastern Ontario
Classification: Benign for Cardiomyopathy. Last evaluated: 2022-11-01. Review status: criteria provided, single submitter. Criteria: ACMG Guidelines, 2015. Collection method: clinical testing. Allele origin: germline.

Ambry Genetics
Classification: Benign for Cardiovascular phenotype. Last evaluated: 2018-12-20. Review status: criteria provided, single submitter. Criteria: Ambry Variant Classification Scheme 2023. Collection method: clinical testing. Allele origin: germline.

GeneDx
Classification: Benign. Last evaluated: 2016-09-21. Review status: criteria provided, single submitter. Criteria: GeneDx Variant Classification (06012015). Collection method: clinical testing. Allele origin: germline. Affected: yes.
Comment: This variant is considered likely benign or benign based on one or more of the following criteria: it is a conservative change, it occurs at a poorly conserved position in the protein, it is predicted to be benign by multiple in silico algorithms, and/or has population frequency not consistent with disease.

Eurofins Ntd Llc (ga)
Classification: Benign. Last evaluated: 2015-08-27. Review status: criteria provided, single submitter. Criteria: EGL Classification Definitions 2015. Collection method: clinical testing. Allele origin: germline. Observed: 2 variant alleles, 2 heterozygotes.

Breakthrough Genomics
Classification: Benign. Review status: criteria provided, single submitter. Criteria: ACMG Guidelines, 2015. Collection method: not provided. Allele origin: germline. Inheritance: Autosomal dominant inheritance. Affected: yes.

PreventionGenetics, part of Exact Sciences
Classification: Benign. Review status: criteria provided, single submitter. Criteria: ACMG Guidelines, 2015. Collection method: clinical testing. Allele origin: germline.

Clinical Genetics DNA and cytogenetics Diagnostics Lab, Erasmus MC, Erasmus Medical Center
Classification: Likely benign. Review status: no assertion criteria provided. Collection method: clinical testing. Allele origin: germline. Affected: yes. Study: VKGL Data-share Consensus. Not counted in ClinVar's aggregate classification.

Genome Diagnostics Laboratory, University Medical Center Utrecht
Classification: Likely benign. Review status: no assertion criteria provided. Collection method: clinical testing. Allele origin: germline. Affected: yes. Study: VKGL Data-share Consensus. Not counted in ClinVar's aggregate classification.

Joint Genome Diagnostic Labs from Nijmegen and Maastricht, Radboudumc and MUMC+
Classification: Likely benign. Review status: no assertion criteria provided. Collection method: clinical testing. Allele origin: germline. Affected: yes. Study: VKGL Data-share Consensus. Not counted in ClinVar's aggregate classification.

NM_001458.5(FLNC):c.2078A>C (p.Asp693Ala)

Gene: FLNC (filamin C; plus strand). Cytogenetic location: 7q32.1.
Variant type: single nucleotide variant.
Coding change: c.2078A>C on transcript NM_001458.5 (MANE Select); coding-DNA position 2078, A replaced by C.
Protein change: p.Asp693Ala; replaces aspartic acid 693 with alanine.
Molecular consequence: missense variant.
Genome position (GRCh38, 1-based): chr7:128,841,524, A>C. VCF-style: chr7-128841524-A-C. GRCh37 (hg19) VCF-style: chr7-128481578-A-C.
Other names: p.Asp693Ala; c.2078A>C, p.Asp693Ala (NM_001127487.2); short protein forms D693A.
Identifiers: ClinVar variation 258129 (VCV000258129.60), dbSNP rs34972246, ClinGen allele CA4474584.